The following is an entry in ClinVar:

ClinVar aggregate classification (germline): Uncertain significance. Review status: criteria provided, single submitter (1 of 4 stars). 2 submissions from 1 submitter: Uncertain significance (2). Last evaluated 2022-01-11.

Conditions:
Cardiovascular phenotype. Identifiers: MedGen CN230736.
Hereditary cancer-predisposing syndrome. Also called: Neoplastic Syndromes, Hereditary; Tumor predisposition; Hereditary Cancer Syndrome; Hereditary neoplastic syndrome. Identifiers: Orphanet 140162, MedGen C0027672, MeSH D009386, MONDO:0015356.

Submissions (2):

Ambry Genetics
Classification: Uncertain significance for Cardiovascular phenotype; Hereditary cancer-predisposing syndrome. Last evaluated: 2022-01-11. Review status: criteria provided, single submitter. Criteria: Ambry Variant Classification Scheme 2023. Collection method: clinical testing. Allele origin: germline.

Ambry Genetics
Classification: Uncertain significance for Hereditary cancer-predisposing syndrome. Last evaluated: 2015-04-22. Review status: criteria provided, single submitter. Criteria: Ambry Autosomal Dominant and X-Linked criteria (10/2015). Collection method: clinical testing. Allele origin: germline. Observed: 1 variant allele.
Comment: The p.L1859F variant (also known as c.5577A>C), located in coding exon 38 of the NF1 gene, results from an A to C substitution at nucleotide position 5577. The leucine at codon 1859 is replaced by phenylalanine, an amino acid with highly similar properties. This variant was not reported in population based cohorts in the following databases: Database of Single Nucleotide Polymorphisms (dbSNP), NHLBI Exome Sequencing Project (ESP), and 1000 Genomes Project. In the ESP, this variant was not observed in 6503 samples (13006 alleles) with coverage at this position. To date, this alteration has been detected with an allele frequency of approximately 0.002% (greater than 55000 alleles tested) in our clinical cohort. This amino acid position is highly conserved in available vertebrate species. In addition, the in silico prediction for this alteration is inconclusive. Since supporting evidence is limited at this time, the clinical significance of p.L1859F remains unclear.

NM_001042492.3(NF1):c.5577A>C (p.Leu1859Phe)

Gene: NF1 (neurofibromin 1; plus strand). Cytogenetic location: 17q11.2.
Variant type: single nucleotide variant.
Coding change: c.5577A>C on transcript NM_001042492.3 (MANE Select); coding-DNA position 5577, A replaced by C.
Protein change: p.Leu1859Phe; replaces leucine 1859 with phenylalanine.
Molecular consequence: missense variant.
Genome position (GRCh38, 1-based): chr17:31,327,807, A>C. VCF-style: chr17-31327807-A-C. GRCh37 (hg19) VCF-style: chr17-29654825-A-C.
Other names: c.5514A>C, p.Leu1838Phe (NM_000267.4); short protein forms L1838F, L1859F.
Identifiers: ClinVar variation 231472 (VCV000231472.4), dbSNP rs876659180, ClinGen allele CA10580353.
Genomic context (GRCh38, chr17:31,327,807, plus strand): 5'-CCCCCAACACACCAAGATTCGGCCAAAAGATGTCCCTGGGACACTGCTCAATATCGCATT[A>C]CTTAATTTAGGCAGTTCTGACCCGAGTTTACGGTAGGTTTTTTAAAATTCTCTTCAGTTT-3'
Protein context (NP_001035957.1, residues 1849-1869): DVPGTLLNIA[Leu1859Phe]LNLGSSDPSL